The following is an entry in ClinVar:

NM_006231.4(POLE):c.2039G>A (p.Arg680His)

Gene: POLE (DNA polymerase epsilon, catalytic subunit; minus strand). Cytogenetic location: 12q24.33.
Variant type: single nucleotide variant.
Coding change: c.2039G>A on transcript NM_006231.4 (MANE Select); coding-DNA position 2039, G replaced by A.
Protein change: p.Arg680His; replaces arginine 680 with histidine.
Molecular consequence: missense variant.
Genome position (GRCh38, 1-based): chr12:132,668,490, C>T on the plus strand (G>A on the coding strand, the complement: POLE is on the minus strand). VCF-style: chr12-132668490-C-T. GRCh37 (hg19) VCF-style: chr12-133245076-C-T.
Other names: short protein forms R680H.
Identifiers: ClinVar variation 473505 (VCV000473505.16), dbSNP rs763522976, ClinGen allele CA387354417.

ClinVar aggregate classification (germline): Uncertain significance. Review status: criteria provided, multiple submitters, no conflicts (2 of 4 stars). 4 submissions from 4 submitters: Uncertain significance (4). Last evaluated 2025-12-29.

Conditions:
Colorectal cancer, susceptibility to, 12 (CRCS12). Also called: COLORECTAL CANCER, SUSCEPTIBILITY TO, ON CHROMOSOME 12q24. Identifiers: Orphanet 220460, MedGen C3554460, MONDO:0014038, OMIM 615083.
Hereditary cancer-predisposing syndrome. Also called: Neoplastic Syndromes, Hereditary; Tumor predisposition; Hereditary Cancer Syndrome; Hereditary neoplastic syndrome. Identifiers: Orphanet 140162, MedGen C0027672, MeSH D009386, MONDO:0015356.

Allele frequency attached by ClinVar (database versions not stated): TOPMed 0.00005; gnomAD 0.00006.
gnomAD v4.1: 15 of 1,598,022 alleles (0.00094%); highest among the groups gnomAD compares: African/African-American, 0.0067%; no homozygotes.

Submissions (4):

Labcorp Genetics (formerly Invitae), Labcorp
Classification: Uncertain significance. Last evaluated: 2025-12-29. Review status: criteria provided, single submitter. Criteria: Invitae Variant Classification Sherloc (09022015). Collection method: clinical testing. Allele origin: germline.
Comment: This sequence change replaces arginine, which is basic and polar, with histidine, which is basic and polar, at codon 680 of the POLE protein (p.Arg680His). This variant is present in population databases (no rsID available, gnomAD 0.01%). This variant has not been reported in the literature in individuals affected with POLE-related conditions. ClinVar contains an entry for this variant (Variation ID: 473505). Invitae Evidence Modeling of protein sequence and biophysical properties (such as structural, functional, and spatial information, amino acid conservation, physicochemical variation, residue mobility, and thermodynamic stability) indicates that this missense variant is not expected to disrupt POLE protein function with a negative predictive value of 80%. In summary, the available evidence is currently insufficient to determine the role of this variant in disease. Therefore, it has been classified as a Variant of Uncertain Significance.

Ambry Genetics
Classification: Uncertain significance for Hereditary cancer-predisposing syndrome. Last evaluated: 2025-03-21. Review status: criteria provided, single submitter. Criteria: Ambry Variant Classification Scheme 2023. Collection method: clinical testing. Allele origin: germline.
Comment: The p.R680H variant (also known as c.2039G>A), located in coding exon 19 of the POLE gene, results from a G to A substitution at nucleotide position 2039. The arginine at codon 680 is replaced by histidine, an amino acid with highly similar properties. This amino acid position is highly conserved in available vertebrate species. In addition, the in silico prediction for this alteration is inconclusive. Based on the available evidence, the clinical significance of this variant remains unclear.

GeneDx
Classification: Uncertain significance. Last evaluated: 2025-01-06. Review status: criteria provided, single submitter. Criteria: GeneDx Variant Classification Process June 2021. Collection method: clinical testing. Allele origin: germline. Affected: yes.
Comment: Not observed at significant frequency in large population cohorts (gnomAD); In silico analysis supports that this missense variant has a deleterious effect on protein structure/function; Has not been previously published as pathogenic or benign to our knowledge

St. Jude Molecular Pathology, St. Jude Children's Research Hospital
Classification: Uncertain significance for Colorectal cancer, susceptibility to, 12. Last evaluated: 2023-02-22. Review status: criteria provided, single submitter. Criteria: St. Jude Assertion Criteria 2020. Collection method: clinical testing. Allele origin: germline.
Comment: The POLE c.2039G>A (p.Arg680His) missense change has a maximum subpopulation frequency of 0.012% in gnomAD v2.1.1. The in silico tool REVEL is inconclusive about a pathogenic or benign effect of this variant on protein function, and to our knowledge functional studies have not been performed. This variant has been observed in tumors that did not exhibit a hypermutator phenotype (PMID: 29056344). To our knowledge, this variant has not been reported in the literature in individuals with POLE-related disease. In summary, the evidence currently available is insufficient to determine the clinical significance of this variant. It has therefore been classified as of uncertain significance.